The following is an entry in ClinVar:

NM_014915.3(ANKRD26):c.2767A>G (p.Met923Val)

Gene: ANKRD26 (ankyrin repeat domain containing 26; minus strand). Cytogenetic location: 10p12.1.
Variant type: single nucleotide variant.
Coding change: c.2767A>G on transcript NM_014915.3 (MANE Select); coding-DNA position 2767, A replaced by G.
Protein change: p.Met923Val; replaces methionine 923 with valine.
Molecular consequence: missense variant.
Genome position (GRCh38, 1-based): chr10:27,035,683, T>C on the plus strand (A>G on the coding strand, the complement: ANKRD26 is on the minus strand). VCF-style: chr10-27035683-T-C. GRCh37 (hg19) VCF-style: chr10-27324612-T-C.
Other names: c.2764A>G, p.Met922Val (NM_001256053.2); short protein forms M923V, M922V.
Identifiers: ClinVar variation 3396912 (VCV003396912.1).
Genomic context (GRCh38, chr10:27,035,683, plus strand): 5'-AACATTTCTTTTCTTTTTCCTGGTTTTGATTTTTTATTGTGTCTATTTCTAGTCTTAGCA[T>C]AGCAATTTCTTCCTGCAACATGCTATTTTTATGCGATAGGTCTTTTTCTTCTTCATGACT-3'
Protein context (NP_055730.2, residues 913-933): KNSMLQEEIA[Met923Val]LRLEIDTIKN

ClinVar aggregate classification (germline): Uncertain significance (1 of 4 stars; one submission).

Conditions:
Inborn genetic diseases. Identifiers: MedGen C0950123, MeSH D030342.

gnomAD v4.1: 8 of 1,603,350 alleles (0.0005%); highest among the groups gnomAD compares: South Asian, 0.009%; no homozygotes.

Submission:

Ambry Genetics
Classification: Uncertain significance for Inborn genetic diseases. Last evaluated: 2024-11-28. Review status: criteria provided, single submitter. Criteria: Ambry Variant Classification Scheme 2023. Collection method: clinical testing. Allele origin: germline.
Comment: The p.M923V variant (also known as c.2767A>G), located in coding exon 24 of the ANKRD26 gene, results from an A to G substitution at nucleotide position 2767. The methionine at codon 923 is replaced by valine, an amino acid with highly similar properties. This amino acid position is conserved. In addition, this alteration is predicted to be tolerated by in silico analysis. Based on the available evidence, the clinical significance of this variant remains unclear.